The following is an entry in ClinVar:

ClinVar aggregate classification (germline): Likely benign. Review status: criteria provided, multiple submitters, no conflicts (2 of 4 stars). 2 submissions from 2 submitters: Likely benign (2). Last evaluated 2025-10-08.

Conditions:
FAT1-related disorder. Also called: FAT1-related condition.

Allele frequency attached by ClinVar (database versions not stated): gnomAD exomes 0.00002; ExAC 0.00007; gnomAD 0.00018; TOPMed 0.00025; 1000 Genomes Project 30x 0.00031; 1000 Genomes Project 0.00040.
gnomAD v4.1: 63 of 1,613,978 alleles (0.0039%); highest among the groups gnomAD compares: African/African-American, 0.057%; no homozygotes.

Submissions (2):

PreventionGenetics, part of Exact Sciences
Classification: Likely benign for FAT1-related condition. Last evaluated: 2025-10-08. Review status: criteria provided, single submitter. Criteria: ACMG Guidelines, 2015. Collection method: clinical testing. Allele origin: germline.
Comment: This variant is classified as likely benign based on ACMG/AMP sequence variant interpretation guidelines (Richards et al. 2015 PMID: 25741868, with internal and published modifications).

Labcorp Genetics (formerly Invitae), Labcorp
Classification: Likely benign. Last evaluated: 2025-06-12. Review status: criteria provided, single submitter. Criteria: Invitae Variant Classification Sherloc (09022015). Collection method: clinical testing. Allele origin: germline.

NM_005245.4(FAT1):c.11442C>T (p.His3814=)

Gene: FAT1 (FAT atypical cadherin 1; minus strand). Cytogenetic location: 4q35.2.
Variant type: single nucleotide variant.
Coding change: c.11442C>T on transcript NM_005245.4 (MANE Select); coding-DNA position 11442, C replaced by T.
Protein change: p.His3814=; no amino-acid change (histidine 3814 retained).
Molecular consequence: synonymous variant.
Genome position (GRCh38, 1-based): chr4:186,602,943, G>A on the plus strand (C>T on the coding strand, the complement: FAT1 is on the minus strand). VCF-style: chr4-186602943-G-A. GRCh37 (hg19) VCF-style: chr4-187524097-G-A.
Other names: c.11442C>T (NM_005245.3).
Identifiers: ClinVar variation 2895819 (VCV002895819.4), dbSNP rs192596975, ClinGen allele CA3165113.
Genomic context (GRCh38, chr4:186,602,943, plus strand): 5'-CCCAACCATTCAACTCTCACCTGGGCACTGACCAAACCTGCCGCTGGGACAGACACAGGT[G>A]TGTTTCTCCTCCCAGGGATCAGACACACATTCGGATCCCTCAGGGCACGGATCATCTTCA-3'
Protein context (NP_005236.2, residues 3804-3824): ECVSDPWEEK[His3814=]TCVCPSGRFG